The following is an entry in ClinVar:

ClinVar aggregate classification (germline): Conflicting classifications of pathogenicity. Review status: criteria provided, conflicting classifications (1 of 4 stars). 7 submissions from 7 submitters: Uncertain significance (4); Likely benign (2). 1 of the submissions does not count toward it. Last evaluated 2025-05-27.

Conditions:
Familial cancer of breast. Also called: Hereditary breast cancer; hereditary breast carcinoma; BREAST CANCER, FAMILIAL. Identifiers: Orphanet 227535, MedGen C0346153, MONDO:0016419, OMIM 114480. Disease mechanism: loss of function.
Breast-ovarian cancer, familial, susceptibility to, 2 (BROVCA2). Also called: BRCA2 Hereditary Breast and Ovarian Cancer. Identifiers: Orphanet 145, MedGen C2675520, MONDO:0012933, OMIM 612555. Disease mechanism: loss of function.
Wilms tumor 1 (WT1). Also called: Wilms tumor, somatic. Identifiers: Orphanet 654, MedGen CN033288, MONDO:0008679, OMIM 194070.
Pancreatic cancer, susceptibility to, 2. Identifiers: Orphanet 1333, MedGen C3150546, MONDO:0013235, OMIM 613347.
Glioma susceptibility 3 (GLM3). Also called: Glioblastoma 3. Identifiers: Orphanet 182067, Orphanet 360, MedGen C2751641, MONDO:0013093, OMIM 613029.
Familial prostate cancer. Also called: Hereditary Prostate Cancer. Identifiers: MedGen C2931456, MONDO:0700275, OMIM 176807.
Fanconi anemia complementation group D1. Also called: BRCA2-Related Fanconi Anemia. Identifiers: Orphanet 319462, MedGen C1838457, MONDO:0011584, OMIM 605724.
Medulloblastoma (MDB). Also called: MEDULLOBLASTOMA PREDISPOSITION SYNDROME; Medulloblastoma, somatic. Identifiers: Orphanet 616, MedGen C0025149, MeSH D008527, MONDO:0007959, OMIM 155255, HP:0002885.
Hereditary cancer-predisposing syndrome. Also called: Hereditary Cancer Syndrome; Neoplastic Syndromes, Hereditary; Tumor predisposition; Hereditary neoplastic syndrome. Identifiers: Orphanet 140162, MedGen C0027672, MeSH D009386, MONDO:0015356.
Hereditary breast ovarian cancer syndrome. Also called: Hereditary breast and ovarian cancer; Hereditary breast and ovarian cancer syndrome (HBOC); Hereditary breast and/or ovarian cancer syndrome; Hereditary breast and ovarian cancer syndrome; Breast and ovarian cancer; BRCA1- and BRCA2-Associated Hereditary Breast and Ovarian Cancer. Identifiers: Orphanet 145, MedGen C0677776, MeSH D061325, MONDO:0003582. Disease mechanism: loss of function.

Allele frequency attached by ClinVar (database versions not stated): gnomAD exomes below 0.00001 and 0.00001; TOPMed below 0.00001; ExAC 0.00001; gnomAD 0.00001.
gnomAD v4.1: 8 of 1,614,026 alleles (0.0005%); highest among the groups gnomAD compares: Middle Eastern, 0.016%; no homozygotes.

Submissions (7):

Labcorp Genetics (formerly Invitae), Labcorp
Classification: Uncertain significance for Hereditary breast ovarian cancer syndrome. Last evaluated: 2025-05-27. Review status: criteria provided, single submitter. Criteria: Invitae Variant Classification Sherloc (09022015). Collection method: clinical testing. Allele origin: germline.
Comment: This sequence change replaces cysteine, which is neutral and slightly polar, with arginine, which is basic and polar, at codon 3069 of the BRCA2 protein (p.Cys3069Arg). This variant is present in population databases (rs398122611, gnomAD 0.0009%). This missense change has been observed in individual(s) with clinical features of BRCA2-related conditions (PMID: 21520333). ClinVar contains an entry for this variant (Variation ID: 187734). Invitae Evidence Modeling incorporating data from in vitro experimental studies (PMID: 33609447) indicates that this missense variant is not expected to disrupt BRCA2 function with a negative predictive value of 95%. In summary, the available evidence is currently insufficient to determine the role of this variant in disease. Therefore, it has been classified as a Variant of Uncertain Significance.

Center for Genomic Medicine, Rigshospitalet, Copenhagen University Hospital
Classification: Likely benign. Last evaluated: 2025-03-04. Review status: criteria provided, single submitter. Criteria: ACMG Guidelines, 2015. Collection method: clinical testing. Allele origin: germline.

Fulgent Genetics
Classification: Uncertain significance for Familial cancer of breast; Medulloblastoma; Familial prostate cancer; Wilms tumor 1; Fanconi anemia complementation group D1; Breast-ovarian cancer, familial, susceptibility to, 2; Glioma susceptibility 3; Pancreatic cancer, susceptibility to, 2. Last evaluated: 2024-05-13. Review status: criteria provided, single submitter. Criteria: ACMG Guidelines, 2015. Collection method: clinical testing. Allele origin: germline.

Ambry Genetics
Classification: Likely benign for Hereditary cancer-predisposing syndrome. Last evaluated: 2020-02-10. Review status: criteria provided, single submitter. Criteria: Ambry Variant Classification Scheme 2023. Collection method: clinical testing. Allele origin: germline.

Color Diagnostics, LLC DBA Color Health
Classification: Uncertain significance for Hereditary cancer-predisposing syndrome. Last evaluated: 2019-04-24. Review status: criteria provided, single submitter. Criteria: ACMG Guidelines, 2015. Collection method: clinical testing. Allele origin: germline.

Genetic Services Laboratory, University of Chicago
Classification: Uncertain significance. Last evaluated: 2017-07-28. Review status: criteria provided, single submitter. Criteria: ACMG Guidelines, 2015. Collection method: clinical testing. Allele origin: germline. Affected: no.

BRCAlab, Lund University
Classification: Uncertain significance for Breast-ovarian cancer, familial, susceptibility to, 2. Last evaluated: 2020-03-02. Review status: no assertion criteria provided. Collection method: clinical testing. Allele origin: germline. Affected: yes. Not counted in ClinVar's aggregate classification.

Literature cited by the submitters: PubMed 21520333 (cited by Labcorp Genetics (formerly Invitae), Labcorp); PubMed 33609447 (cited by Labcorp Genetics (formerly Invitae), Labcorp and Center for Genomic Medicine, Rigshospitalet, Copenhagen University Hospital); PubMed 29884841 (cited by Ambry Genetics).

NM_000059.4(BRCA2):c.9205T>C (p.Cys3069Arg)

Gene: BRCA2 (BRCA2 DNA repair associated; plus strand). Cytogenetic location: 13q13.1.
Variant type: single nucleotide variant.
Coding change: c.9205T>C on transcript NM_000059.4 (MANE Select); coding-DNA position 9205, T replaced by C.
Protein change: p.Cys3069Arg; replaces cysteine 3069 with arginine.
Molecular consequence: missense variant.
Genome position (GRCh38, 1-based): chr13:32,380,094, T>C. VCF-style: chr13-32380094-T-C. GRCh37 (hg19) VCF-style: chr13-32954231-T-C.
Other names: short protein forms C3069R.
Identifiers: ClinVar variation 187734 (VCV000187734.23), dbSNP rs398122611, ClinGen allele CA026030.